The following is an entry in ClinVar:

NM_001287.6(CLCN7):c.2203A>T (p.Met735Leu)

Gene: CLCN7 (chloride voltage-gated channel 7; minus strand). Cytogenetic location: 16p13.3.
Variant type: single nucleotide variant.
Coding change: c.2203A>T on transcript NM_001287.6 (MANE Select); coding-DNA position 2203, A replaced by T.
Protein change: p.Met735Leu; replaces methionine 735 with leucine.
Molecular consequence: missense variant.
Genome position (GRCh38, 1-based): chr16:1,447,439, T>A on the plus strand (A>T on the coding strand, the complement: CLCN7 is on the minus strand). VCF-style: chr16-1447439-T-A. GRCh37 (hg19) VCF-style: chr16-1497440-T-A.
Other names: c.2131A>T, p.Met711Leu (NM_001114331.3); short protein forms M711L, M735L.
Identifiers: ClinVar variation 3637157 (VCV003637157.2).

ClinVar aggregate classification (germline): Uncertain significance (1 of 4 stars; one submission).

Submission:

Labcorp Genetics (formerly Invitae), Labcorp
Classification: Uncertain significance. Last evaluated: 2024-09-27. Review status: criteria provided, single submitter. Criteria: Invitae Variant Classification Sherloc (09022015). Collection method: clinical testing. Allele origin: germline.
Comment: This sequence change replaces methionine, which is neutral and non-polar, with leucine, which is neutral and non-polar, at codon 735 of the CLCN7 protein (p.Met735Leu). This variant is not present in population databases (gnomAD no frequency). This variant has not been reported in the literature in individuals affected with CLCN7-related conditions. Invitae Evidence Modeling of protein sequence and biophysical properties (such as structural, functional, and spatial information, amino acid conservation, physicochemical variation, residue mobility, and thermodynamic stability) indicates that this missense variant is not expected to disrupt CLCN7 protein function with a negative predictive value of 95%. In summary, the available evidence is currently insufficient to determine the role of this variant in disease. Therefore, it has been classified as a Variant of Uncertain Significance.